The following is an entry in ClinVar:

ClinVar aggregate classification (germline): Likely benign (1 of 4 stars; one submission).

Allele frequency attached by ClinVar (database versions not stated): gnomAD exomes 0.00002; ExAC 0.00003.
gnomAD v4.1: 21 of 1,188,318 alleles (0.0018%); highest among the groups gnomAD compares: Non-Finnish European, 0.0023%; no homozygotes.

Submission:

CeGaT Center for Human Genetics Tuebingen
Classification: Likely benign. Last evaluated: 2022-05-01. Review status: criteria provided, single submitter. Criteria: CeGaT Center For Human Genetics Tuebingen Variant Classification Criteria Version 2. Collection method: clinical testing. Allele origin: germline. Affected: yes. Observed: 1 variant allele.
Comment: SCAF4: BP4

NM_020706.2(SCAF4):c.159+7A>C

Gene: SCAF4 (SR-related CTD associated factor 4; minus strand). Cytogenetic location: 21q22.11.
Variant type: single nucleotide variant.
Coding change: c.159+7A>C on transcript NM_020706.2 (MANE Select); 7 bases into the intron after coding-DNA position 159, A replaced by C.
Molecular consequence: intron variant.
Genome position (GRCh38, 1-based): chr21:31,705,416, T>G on the plus strand (A>C on the coding strand, the complement: SCAF4 is on the minus strand). VCF-style: chr21-31705416-T-G. GRCh37 (hg19) VCF-style: chr21-33077729-T-G.
Other names: c.114+858A>C (NM_001145444.1); c.159+7A>C (NM_001145445.1).
Identifiers: ClinVar variation 2652589 (VCV002652589.24), dbSNP rs531763292, ClinGen allele CA9999971.